The following is an entry in ClinVar:

NM_000518.5(HBB):c.203_204del (p.Val68fs)

Genes: HBB (hemoglobin subunit beta; minus strand), LOC106099062 (HBB recombination region; plus strand), LOC107133510 (origin of replication at HBB; plus strand). Cytogenetic location: 11p15.4.
Variant type: Deletion.
Coding change: c.203_204del on transcript NM_000518.5 (MANE Select); coding-DNA positions 203 to 204, 2 bases deleted (TG; older notation c.203_204delTG).
Protein change: p.Val68fs; shifts the reading frame from valine 68.
Molecular consequence: frameshift variant.
Genome position (GRCh38, 1-based): chr11:5,226,688-5,226,689, CA deleted on the plus strand (TG on the coding strand, the reverse complement: HBB is on the minus strand); deleting any 2 consecutive bases within chr11:5,226,688-5,226,690 gives the same sequence; the c. name uses the placement nearest the transcript's 3' end. VCF-style (leftmost placement, unchanged base first): chr11-5226687-GCA-G. GRCh37 (hg19) VCF-style: chr11-5247917-GCA-G.
Other names: c.203_204delTG (NM_000518.5); c.202_203delGT (NM_000518.4); short protein forms V68fs.
Identifiers: ClinVar variation 36303 (VCV000036303.117), dbSNP rs34282684, ClinGen allele CA213886.

ClinVar aggregate classification (germline): Pathogenic/Likely pathogenic. Review status: criteria provided, multiple submitters, no conflicts (2 of 4 stars). 10 submissions from 10 submitters: Pathogenic (8); Likely pathogenic (1). 1 of the submissions does not count toward it. Last evaluated 2025-12-04.

Conditions:
Hb SS disease (SCD). Also called: Hemoglobin SS; Sickle cell anemia; Sickle cell disease; HbS disease; Hemoglobin S Disease; Sickling disorder due to hemoglobin S. Identifiers: Orphanet 232, Orphanet 275752, MedGen C0002895, MONDO:0011382, OMIM 603903.
Heinz body anemia. Also called: Heinz body hemolytic anemia. Identifiers: Orphanet 178330, MedGen C0700299, MONDO:0007705, OMIM 140700, HP:0005511.
alpha Thalassemia. Also called: Alpha thalassemia spectrum. Identifiers: Orphanet 846, MedGen C0002312, MONDO:0011399, OMIM 604131.
Dominant beta-thalassemia. Also called: Beta-thalassemia, dominant inclusion body type. Identifiers: Orphanet 231226, Orphanet 848, MedGen C1858990, MONDO:0011381, OMIM 603902.
Beta-thalassemia HBB/LCRB. Identifiers: MedGen CN322236, MONDO:0013517, OMIM 613985.
Erythrocytosis, familial, 6. Also called: POLYCYTHEMIA, BETA-GLOBIN TYPE; ERYTHROCYTOSIS, BETA-GLOBIN TYPE. Identifiers: MedGen C4693822, MONDO:0054801, OMIM 617980.
METHEMOGLOBINEMIA, BETA TYPE. Also called: Methemoglobinemia, beta-globin type. Identifiers: MedGen C1840779, OMIM 617971.
Malaria, susceptibility to. Identifiers: Orphanet 673, MedGen C1970028, MONDO:0021024, OMIM 611162.
Hereditary persistence of fetal hemoglobin. Identifiers: MedGen C0019025, MONDO:0020989, OMIM 141749.
HBB-related disorder. Also called: HBB-related disorders; HBB-related condition. Identifiers: MedGen CN239378.
beta Thalassemia (BTHAL). Also called: Cooley's anemia; Erythroblastic anemia; Mediterranean anemia. Identifiers: Orphanet 848, MedGen C0005283, MONDO:0019402. Disease mechanism: loss of function.

Submissions (10):

Natera, Inc.
Classification: Pathogenic for Beta thalassemia. Last evaluated: 2025-12-04. Review status: criteria provided, single submitter. Criteria: Natera Variant Classification Schema (03/2026). Collection method: clinical testing. Allele origin: germline.
Comment: The c.203_204delTG variant in HBB is a frameshift variant predicted to shift the reading frame beginning at codon 68 and leads to a stop codon 5 codons downstream. This variant is expected to result in nonsense mediated decay, truncation, or a dysfunctional protein product. This variant is rare in the general population with a frequency below the threshold expected for the associated phenotype(s). This variant has been observed in one or more individuals affected with the associated recessive disease, as either homozygous or compound heterozygous with a second variant (PMID: 8257991). Given the available evidence, this variant is classified as Pathogenic.

GeneDx
Classification: Pathogenic. Last evaluated: 2025-09-12. Review status: criteria provided, single submitter. Criteria: GeneDx Variant Classification Process June 2021. Collection method: clinical testing. Allele origin: germline. Affected: yes.
Comment: Frameshift variant predicted to result in protein truncation or nonsense mediated decay in a gene for which loss of function is a known mechanism of disease; Not observed at significant frequency in large population cohorts (gnomAD); This variant is associated with the following publications: (PMID: 8257991, 27756326)

Quest Diagnostics Nichols Institute San Juan Capistrano
Classification: Pathogenic. Last evaluated: 2025-08-15. Review status: criteria provided, single submitter. Criteria: Quest Diagnostics criteria. Collection method: clinical testing. Allele origin: unknown.
Comment: The HBB c.203_204del (p.Val68Alafs*5) variant (also known as codon 67 (-TG)) alters the translational reading frame of the HBB mRNA and causes the premature termination of HBB protein synthesis. This variant has been reported in the compound heterozygous state in an individual with beta-thalassemia major (PMID: 8257991 (1993), HbVar). This variant has not been reported in large, multi-ethnic general populations (Genome Aggregation Database). Based on the available information, this variant is classified as pathogenic.

ARUP Laboratories, Molecular Genetics and Genomics, ARUP Laboratories
Classification: Pathogenic. Last evaluated: 2025-03-26. Review status: criteria provided, single submitter. Criteria: ARUP Molecular Germline Variant Investigation Process 2024. Collection method: clinical testing. Allele origin: germline.
Comment: The HBB c.203_204delTG; p.Val68AlafsTer5 variant (rs34282684, HbVar ID: 868), also known as Codon 67 (-TG), is reported in the literature in an individual with beta-thalassemia major in trans to a whole-gene HBB deletion (Eng 1993). The c.203_204delTG variant was also observed in heterozygous relatives with hematological profiles consistent with beta-thalassemia minor (Eng 1993). This variant is reported in ClinVar (Variation ID: 36303) and is absent from the Genome Aggregation Database, indicating it is not a common polymorphism. This variant causes a frameshift by deleting two nucleotides, so it is predicted to result in a truncated protein or mRNA subject to nonsense-mediated decay. Based on available information, this variant is considered to be pathogenic. References: Link to HbVar database: Eng B et al. Identification of two novel beta zero-thalassemia mutations in a Filipino family: frameshift codon 67 (-TG) and a beta-globin gene deletion. Hum Mutat. 1993;2(5):375-9. PMID: 8257991

Women's Health and Genetics/Laboratory Corporation of America, LabCorp
Classification: Pathogenic for beta Thalassemia. Last evaluated: 2024-10-02. Review status: criteria provided, single submitter. Criteria: LabCorp Variant Classification Summary - May 2015. Collection method: clinical testing. Allele origin: germline.
Comment: Variant summary: HBB c.203_204delTG (p.Val68AlafsX5) results in a premature termination codon, predicted to cause a truncation of the encoded protein or absence of the protein due to nonsense mediated decay, which are commonly known mechanisms for disease. The frequency data for this variant in gnomAD is considered unreliable, as metrics indicate poor data quality at this position. c.203_204delTG has been reported in the literature in at least one individual affected with Beta Thalassemia (e.g. Eng_1993). To our knowledge, no experimental evidence demonstrating an impact on protein function has been reported. The following publication was ascertained in the context of this evaluation (PMID: 8257991). ClinVar contains an entry for this variant (Variation ID: 36303). Based on the evidence outlined above, the variant was classified as pathogenic.

Blueprint Genetics
Classification: Likely pathogenic for HBB-related disorders. Last evaluated: 2024-06-06. Review status: criteria provided, single submitter. Criteria: ACMG Guidelines, 2015. Collection method: clinical testing. Allele origin: germline. Affected: yes. Observed: 3 variant alleles.

Labcorp Genetics (formerly Invitae), Labcorp
Classification: Pathogenic. Last evaluated: 2023-12-24. Review status: criteria provided, single submitter. Criteria: Invitae Variant Classification Sherloc (09022015). Collection method: clinical testing. Allele origin: germline.
Comment: This sequence change creates a premature translational stop signal (p.Val68Alafs*5) in the HBB gene. It is expected to result in an absent or disrupted protein product. Loss-of-function variants in HBB are known to be pathogenic (PMID: 23637309). This variant is not present in population databases (gnomAD no frequency). This premature translational stop signal has been observed in individual(s) with beta thalassemia (PMID: 8257991). In at least one individual the data is consistent with being in trans (on the opposite chromosome) from a pathogenic variant. ClinVar contains an entry for this variant (Variation ID: 36303). For these reasons, this variant has been classified as Pathogenic.

Fulgent Genetics
Classification: Pathogenic for Heinz body anemia; Hereditary persistence of fetal hemoglobin; Dominant beta-thalassemia; Hb SS disease; alpha Thalassemia; Malaria, susceptibility to; Beta-thalassemia HBB/LCRB; METHEMOGLOBINEMIA, BETA TYPE; Erythrocytosis, familial, 6. Last evaluated: 2021-11-24. Review status: criteria provided, single submitter. Criteria: ACMG Guidelines, 2015. Collection method: clinical testing. Allele origin: unknown.

Clinical Genetics and Genomics, Karolinska University Hospital
Classification: Pathogenic. Last evaluated: 2018-01-23. Review status: criteria provided, single submitter. Criteria: ACMG Guidelines, 2015. Collection method: clinical testing. Allele origin: germline. Affected: yes. Observed: 1 variant allele.

Counsyl
Classification: Likely pathogenic for Beta-thalassemia HBB/LCRB. Last evaluated: 2015-11-16. Review status: no assertion criteria provided. Collection method: clinical testing. Allele origin: unknown. Not counted in ClinVar's aggregate classification.

Literature cited by the submitters: PubMed 8257991 (cited by 5 submitters); PubMed 23637309 (cited by Labcorp Genetics (formerly Invitae), Labcorp).